The following is an entry in ClinVar:

ClinVar aggregate classification (germline): Pathogenic (1 of 4 stars; one submission).

Submission:

Labcorp Genetics (formerly Invitae), Labcorp
Classification: Pathogenic. Last evaluated: 2023-11-10. Review status: criteria provided, single submitter. Criteria: Invitae Variant Classification Sherloc (09022015). Collection method: clinical testing. Allele origin: germline.
Comment: This sequence change creates a premature translational stop signal (p.Asn2919Ilefs*56) in the EYS gene. While this is not anticipated to result in nonsense mediated decay, it is expected to disrupt the last 226 amino acid(s) of the EYS protein. This variant is not present in population databases (gnomAD no frequency). This variant has not been reported in the literature in individuals affected with EYS-related conditions. This variant disrupts a region of the EYS protein in which other variant(s) (p.Tyr3135*) have been determined to be pathogenic (PMID: 18976725, 29159838, 30337596, 31074760). This suggests that this is a clinically significant region of the protein, and that variants that disrupt it are likely to be disease-causing. For these reasons, this variant has been classified as Pathogenic.

Literature cited by the submitters: PubMed 18976725; PubMed 29159838; PubMed 30337596; PubMed 31074760.

NM_001142800.2(EYS):c.8756del (p.Asn2919fs)

Genes: EYS (EGF-like photoreceptor maintenance factor; minus strand), PHF3 (PHD finger protein 3; plus strand). Cytogenetic location: 6q12.
Variant type: Deletion.
Coding change: c.8756del on transcript NM_001142800.2 (MANE Select); coding-DNA position 8756, one base deleted (A; older notation c.8756delA).
Protein change: p.Asn2919fs; shifts the reading frame from asparagine 2919.
Molecular consequence: frameshift variant. On other transcripts: 3 prime UTR variant (5).
Genome position (GRCh38, 1-based): chr6:63,721,275, T deleted on the plus strand (A on the coding strand, the reverse complement: EYS is on the minus strand); the first of 2 consecutive T bases (chr6:63,721,275-63,721,276); deleting either gives the same sequence. VCF-style (leftmost placement, unchanged base first): chr6-63721274-AT-A. GRCh37 (hg19) VCF-style: chr6-64431170-AT-A.
Other names: c.*7568del (NM_001290259.2, NM_001370348.2, NM_001370349.2 and 2 more transcripts); c.8819del, p.Asn2940fs (NM_001292009.2); short protein forms N2919fs, N2940fs.
Identifiers: ClinVar variation 2694978 (VCV002694978.3), dbSNP rs2533389931, ClinGen allele CA2697553506.